The following is an entry in ClinVar:

NM_004937.3(CTNS):c.76C>T (p.Leu26Phe)

Gene: CTNS (cystinosin, lysosomal cystine transporter; plus strand). Cytogenetic location: 17p13.2.
Variant type: single nucleotide variant.
Coding change: c.76C>T on transcript NM_004937.3 (MANE Select); coding-DNA position 76, C replaced by T.
Protein change: p.Leu26Phe; replaces leucine 26 with phenylalanine.
Molecular consequence: missense variant. On other transcripts: 5 prime UTR variant (3), intron variant (1).
Genome position (GRCh38, 1-based): chr17:3,647,458, C>T. VCF-style: chr17-3647458-C-T. GRCh37 (hg19) VCF-style: chr17-3550752-C-T.
Other names: c.76C>T, p.Leu26Phe (NM_001031681.3, NM_001374492.1); c.-281C>T (NM_001374493.1, NM_001374496.1); c.-366C>T (NM_001374494.1); c.-217+7191C>T (NM_001374495.1); short protein forms L26F.
Identifiers: ClinVar variation 2177467 (VCV002177467.2), dbSNP rs1567701229, ClinGen allele CA397687010.
Genomic context (GRCh38, chr17:3,647,458, plus strand): 5'-TGAACTCTGACCCAGTGCCTCATGTCATTGATTTGGGTCCTTCCAGAGTCAAGCGTCAGC[C>T]TCACTGTTCCTCCTGTCGTAAAGCTGGAGAACGGCAGCTCGACCAACGTCAGCCTCACCC-3'
Protein context (NP_004928.2, residues 16-36): LVEKCESSVS[Leu26Phe]TVPPVVKLEN

ClinVar aggregate classification (germline): Uncertain significance (1 of 4 stars; one submission).

Conditions:
Inborn genetic diseases. Identifiers: MedGen C0950123, MeSH D030342.
Ocular cystinosis. Also called: Non-Nephropathic Cystinosis; Non-Nephropathic (Ocular) Cystinosis. Identifiers: Orphanet 213, Orphanet 411641, MedGen C2931013, MONDO:0009064, OMIM 219750.
Juvenile nephropathic cystinosis. Also called: Intermediate Cystinosis; CYSTINOSIS, LATE-ONSET JUVENILE OR ADOLESCENT NEPHROPATHIC TYPE; Later-Onset (Juvenile) Cystinosis. Identifiers: Orphanet 213, Orphanet 411634, MedGen C0268626, MONDO:0009066, OMIM 219900.

Allele frequency attached by ClinVar (database versions not stated): gnomAD exomes below 0.00001.
gnomAD v4.1: 1 of 1,614,114 alleles (0.000062%); highest among the groups gnomAD compares: Non-Finnish European, 0.000085%; no homozygotes.

Submission:

Labcorp Genetics (formerly Invitae), Labcorp
Classification: Uncertain significance for Inborn genetic diseases; Ocular cystinosis; Juvenile nephropathic cystinosis. Last evaluated: 2022-06-07. Review status: criteria provided, single submitter. Criteria: Invitae Variant Classification Sherloc (09022015). Collection method: clinical testing. Allele origin: germline.
Comment: In summary, the available evidence is currently insufficient to determine the role of this variant in disease. Therefore, it has been classified as a Variant of Uncertain Significance. Advanced modeling of protein sequence and biophysical properties (such as structural, functional, and spatial information, amino acid conservation, physicochemical variation, residue mobility, and thermodynamic stability) performed at Invitae indicates that this missense variant is not expected to disrupt CTNS protein function. This variant has not been reported in the literature in individuals affected with CTNS-related conditions. This variant is not present in population databases (gnomAD no frequency). This sequence change replaces leucine, which is neutral and non-polar, with phenylalanine, which is neutral and non-polar, at codon 26 of the CTNS protein (p.Leu26Phe).